The following is an entry in ClinVar:

ClinVar aggregate classification (germline): Uncertain significance. Review status: criteria provided, multiple submitters, no conflicts (2 of 4 stars). 2 submissions from 2 submitters: Uncertain significance (2). Last evaluated 2025-05-29.

Conditions:
Inborn genetic diseases. Identifiers: MedGen C0950123, MeSH D030342.

Allele frequency attached by ClinVar (database versions not stated): TOPMed below 0.00001.
gnomAD v4.1: 1 of 1,613,288 alleles (0.000062%); highest among the groups gnomAD compares: African/African-American, 0.0013%; no homozygotes.

Submissions (2):

Ambry Genetics
Classification: Uncertain significance for Inborn genetic diseases. Last evaluated: 2025-05-29. Review status: criteria provided, single submitter. Criteria: Ambry Variant Classification Scheme 2023. Collection method: clinical testing. Allele origin: germline.

GeneDx
Classification: Uncertain significance. Last evaluated: 2023-02-15. Review status: criteria provided, single submitter. Criteria: GeneDx Variant Classification Process June 2021. Collection method: clinical testing. Allele origin: germline. Affected: yes.
Comment: In silico analysis supports that this missense variant does not alter protein structure/function; Has not been previously published as pathogenic or benign to our knowledge

NM_001371928.1(AHDC1):c.2599G>T (p.Ala867Ser)

Gene: AHDC1 (AT-hook DNA binding motif containing 1; minus strand). Cytogenetic location: 1p36.11.
Variant type: single nucleotide variant.
Coding change: c.2599G>T on transcript NM_001371928.1 (MANE Select); coding-DNA position 2599, G replaced by T.
Protein change: p.Ala867Ser; replaces alanine 867 with serine.
Molecular consequence: missense variant.
Genome position (GRCh38, 1-based): chr1:27,549,517, C>A on the plus strand (G>T on the coding strand, the complement: AHDC1 is on the minus strand). VCF-style: chr1-27549517-C-A. GRCh37 (hg19) VCF-style: chr1-27876028-C-A.
Other names: c.2599G>T, p.Ala867Ser (NM_001029882.3); short protein forms A867S.
Identifiers: ClinVar variation 2576824 (VCV002576824.2), dbSNP rs368506844, ClinGen allele CA715734.